The following is an entry in ClinVar:

ClinVar aggregate classification (germline): Pathogenic. Review status: criteria provided, multiple submitters, no conflicts (2 of 4 stars). 5 submissions from 5 submitters: Pathogenic (5). Last evaluated 2024-06-20.

Conditions:
PDCD10-related disorder. Also called: PDCD10-related condition.
Cerebral cavernous malformation 3. Also called: Familial Cerebral Cavernous Malformation 3. Identifiers: Orphanet 221061, MedGen C1864040, MONDO:0011305, OMIM 603285.

Allele frequency attached by ClinVar (database versions not stated): TOPMed below 0.00001.

Submissions (5):

Labcorp Genetics (formerly Invitae), Labcorp
Classification: Pathogenic for Cerebral cavernous malformation 3. Last evaluated: 2024-06-20. Review status: criteria provided, single submitter. Criteria: Invitae Variant Classification Sherloc (09022015). Collection method: clinical testing. Allele origin: germline.
Comment: This sequence change creates a premature translational stop signal (p.Arg196*) in the PDCD10 gene. While this is not anticipated to result in nonsense mediated decay, it is expected to disrupt the last 17 amino acid(s) of the PDCD10 protein. This variant is not present in population databases (gnomAD no frequency). This premature translational stop signal has been observed in individual(s) with cerebral cavernous malformations (PMID: 15543491, 30161288). ClinVar contains an entry for this variant (Variation ID: 590684). For these reasons, this variant has been classified as Pathogenic.

Blueprint Genetics
Classification: Pathogenic for PDCD10-related disorders. Last evaluated: 2022-05-02. Review status: criteria provided, single submitter. Criteria: ACMG Guidelines, 2015. Collection method: clinical testing. Allele origin: germline. Affected: yes. Observed: 1 variant allele.

Equipe Genetique des Anomalies du Developpement, Université de Bourgogne
Classification: Pathogenic for Cerebral cavernous malformation 3. Last evaluated: 2021-10-18. Review status: criteria provided, single submitter. Criteria: ACMG Guidelines, 2015. Collection method: clinical testing. Allele origin: unknown. Affected: yes.

GeneDx
Classification: Pathogenic. Last evaluated: 2021-05-17. Review status: criteria provided, single submitter. Criteria: GeneDx Variant Classification Process June 2021. Collection method: clinical testing. Allele origin: germline. Affected: yes.
Comment: Nonsense variant predicted to result in protein truncation, as the last 17 amino acids are lost, and other protein truncation variants have been reported downstream in the Human Gene Mutation Database (Stenson et al., 2014); Not observed in large population cohorts (Lek et al., 2016); This variant is associated with the following publications: (PMID: 17041941, 15543491, 31254430, 23595507, 30161288, 23801932, 23722637, 19506228, 24689081)

PreventionGenetics, part of Exact Sciences
Classification: Pathogenic. Last evaluated: 2015-04-30. Review status: criteria provided, single submitter. Criteria: ACMG Guidelines, 2015. Collection method: clinical testing. Allele origin: germline.

Literature cited by the submitters: PubMed 15543491 (cited by Labcorp Genetics (formerly Invitae), Labcorp); PubMed 30161288 (cited by Labcorp Genetics (formerly Invitae), Labcorp).

NM_007217.4(PDCD10):c.586C>T (p.Arg196Ter)

Gene: PDCD10 (programmed cell death 10; minus strand). Cytogenetic location: 3q26.1.
Variant type: single nucleotide variant.
Coding change: c.586C>T on transcript NM_007217.4 (MANE Select); coding-DNA position 586, C replaced by T.
Protein change: p.Arg196Ter; replaces arginine 196 with a stop codon.
Molecular consequence: nonsense.
Genome position (GRCh38, 1-based): chr3:167,684,361, G>A on the plus strand (C>T on the coding strand, the complement: PDCD10 is on the minus strand). VCF-style: chr3-167684361-G-A. GRCh37 (hg19) VCF-style: chr3-167402149-G-A.
Other names: c.586C>T, p.Arg196Ter (NM_145859.2, NM_145860.2); short protein forms R196*.
Identifiers: ClinVar variation 590684 (VCV000590684.15), dbSNP rs1404676956, ClinGen allele CA355153900.